The following is an entry in ClinVar:

NM_005012.4(ROR1):c.811C>T (p.Pro271Ser)

Gene: ROR1 (receptor tyrosine kinase like orphan receptor 1; plus strand). Cytogenetic location: 1p31.3.
Variant type: single nucleotide variant.
Coding change: c.811C>T on transcript NM_005012.4 (MANE Select); coding-DNA position 811, C replaced by T.
Protein change: p.Pro271Ser; replaces proline 271 with serine.
Molecular consequence: missense variant.
Genome position (GRCh38, 1-based): chr1:64,140,309, C>T. VCF-style: chr1-64140309-C-T. GRCh37 (hg19) VCF-style: chr1-64605992-C-T.
Other names: c.811C>T, p.Pro271Ser (NM_001083592.2); short protein forms P271S.
Identifiers: ClinVar variation 4743457 (VCV004743457.1).

ClinVar aggregate classification (germline): Uncertain significance (1 of 4 stars; one submission).

Submission:

Labcorp Genetics (formerly Invitae), Labcorp
Classification: Uncertain significance. Last evaluated: 2025-12-24. Review status: criteria provided, single submitter. Criteria: Invitae Variant Classification Sherloc (09022015). Collection method: clinical testing. Allele origin: germline.
Comment: This sequence change replaces proline, which is neutral and non-polar, with serine, which is neutral and polar, at codon 271 of the ROR1 protein (p.Pro271Ser). This variant is not present in population databases (gnomAD no frequency). This variant has not been reported in the literature in individuals affected with ROR1-related conditions. Invitae Evidence Modeling of protein sequence and biophysical properties (such as structural, functional, and spatial information, amino acid conservation, physicochemical variation, residue mobility, and thermodynamic stability) indicates that this missense variant is not expected to disrupt ROR1 protein function with a negative predictive value of 80%. In summary, the available evidence is currently insufficient to determine the role of this variant in disease. Therefore, it has been classified as a Variant of Uncertain Significance.